The following is an entry in ClinVar:

NM_000245.4(MET):c.3028+5A>G

Gene: MET (MET proto-oncogene, receptor tyrosine kinase; plus strand). Cytogenetic location: 7q31.2.
Variant type: single nucleotide variant.
Coding change: c.3028+5A>G on transcript NM_000245.4 (MANE Select); 5 bases into the intron after coding-DNA position 3028, A replaced by G.
Molecular consequence: intron variant.
Genome position (GRCh38, 1-based): chr7:116,771,994, A>G. VCF-style: chr7-116771994-A-G. GRCh37 (hg19) VCF-style: chr7-116412048-A-G.
Other names: c.3082+5A>G (NM_001127500.3); c.1738+5A>G (NM_001324402.2).
Identifiers: ClinVar variation 2182645 (VCV002182645.5), dbSNP rs2485780102, ClinGen allele CA2580076374.

ClinVar aggregate classification (germline): Conflicting classifications of pathogenicity. Review status: criteria provided, conflicting classifications (1 of 4 stars). 2 submissions from 2 submitters: Uncertain significance (1); Likely benign (1). Last evaluated 2024-11-12.

Conditions:
Renal cell carcinoma. Identifiers: Orphanet 217071, MedGen C0007134, MeSH D002292, MONDO:0005086, HP:0005584.
Papillary renal cell carcinoma type 1 (RCCP1). Also called: RENAL CELL CARCINOMA, PAPILLARY, 1, SOMATIC; Renal adenocarcinoma; Renal cell carcinoma 1; Renal cell carcinoma, somatic. Identifiers: Orphanet 47044, MedGen C1336839, OMIM 605074, HP:0011797.

Allele frequency attached by ClinVar (database versions not stated): gnomAD exomes below 0.00001.
gnomAD v4.1: 1 of 1,613,518 alleles (0.000062%); highest among the groups gnomAD compares: Non-Finnish European, 0.000085%; no homozygotes.

Submissions (2):

Myriad Genetics, Inc.
Classification: Likely benign for Papillary renal cell carcinoma type 1. Last evaluated: 2024-11-12. Review status: criteria provided, single submitter. Criteria: Myriad Autosomal Dominant, Autosomal Recessive and X-Linked Classification Criteria (2023). Collection method: clinical testing. Allele origin: unknown.
Comment: This variant is considered likely benign. This variant is intronic and is not expected to impact mRNA splicing.

Labcorp Genetics (formerly Invitae), Labcorp
Classification: Uncertain significance for Renal cell carcinoma. Last evaluated: 2022-09-23. Review status: criteria provided, single submitter. Criteria: Invitae Variant Classification Sherloc (09022015). Collection method: clinical testing. Allele origin: germline.
Comment: In summary, the available evidence is currently insufficient to determine the role of this variant in disease. Therefore, it has been classified as a Variant of Uncertain Significance. Variants that disrupt the consensus splice site are a relatively common cause of aberrant splicing (PMID: 17576681, 9536098). Algorithms developed to predict the effect of sequence changes on RNA splicing suggest that this variant is not likely to affect RNA splicing. This variant has not been reported in the literature in individuals affected with MET-related conditions. This variant is not present in population databases (gnomAD no frequency). This sequence change falls in intron 14 of the MET gene. It does not directly change the encoded amino acid sequence of the MET protein. It affects a nucleotide within the consensus splice site.

Literature cited by the submitters: PubMed 17576681 (cited by Labcorp Genetics (formerly Invitae), Labcorp); PubMed 9536098 (cited by Labcorp Genetics (formerly Invitae), Labcorp).